The following is an entry in ClinVar:

NM_012414.4(RAB3GAP2):c.165_168del (p.Glu56fs)

Gene: RAB3GAP2 (RAB3 GTPase activating non-catalytic protein subunit 2; minus strand). Cytogenetic location: 1q41.
Variant type: Deletion.
Coding change: c.165_168del on transcript NM_012414.4 (MANE Select); coding-DNA positions 165 to 168, 4 bases deleted (TGAA; older notation c.165_168delTGAA).
Protein change: p.Glu56fs; shifts the reading frame from glutamic acid 56.
Molecular consequence: frameshift variant.
Genome position (GRCh38, 1-based): chr1:220,232,811-220,232,814, TTCA deleted on the plus strand (TGAA on the coding strand, the reverse complement: RAB3GAP2 is on the minus strand); deleting any 4 consecutive bases within chr1:220,232,811-220,232,816 gives the same sequence; the c. name uses the placement nearest the transcript's 3' end. VCF-style (leftmost placement, unchanged base first): chr1-220232810-GTTCA-G. GRCh37 (hg19) VCF-style: chr1-220406152-GTTCA-G.
Other names: short protein forms E56fs.
Identifiers: ClinVar variation 504367 (VCV000504367.2), dbSNP rs767189501, ClinGen allele CA1403115.
Genomic context (GRCh38, chr1:220,232,810, plus strand): 5'-AAGGAAAATGCCACTATCAAAAAACATGCATATATTTGTAAAGACTTACAGGTTCTTGTG[GTTCA>G]TTTTCTTCCCATGCTCCCCAACCATCATCTTCCCAGTCTGTTGATTTACCTGTTTTTAAA-3'

ClinVar aggregate classification (germline): Pathogenic (1 of 4 stars; one submission).

Submission:

GeneDx
Classification: Pathogenic. Last evaluated: 2018-02-14. Review status: criteria provided, single submitter. Criteria: GeneDx Variant Classification (06012015). Collection method: clinical testing. Allele origin: germline. Affected: yes.
Comment: The c.165_168delTGAA variant in the RAB3GAP2 gene has not been reported previously as a pathogenic variant nor as a benign variant, to our knowledge. The c.165_168delTGAA variant causes a frameshift starting with codon Glutamic acid 56, changes this amino acid to a Histidine residue, and creates a premature Stop codon at position 34 of the new reading frame, denoted p.E56HfsX34. This variant is predicted to cause loss of normal protein function either through protein truncation or nonsense-mediated mRNA decay. The c.165_168delTGAA variant is not observed at a significant frequency in large population cohorts (Lek et al., 2016). We interpret c.165_168delTGAA as a pathogenic variant.